The following is an entry in ClinVar:

ClinVar aggregate classification (germline): Uncertain significance (1 of 4 stars; one submission).

Conditions:
Regional enteritis. Also called: Enteritis, Granulomatous. Identifiers: MedGen C0678202, MeSH D003424.
Blau syndrome (BLAUS). Also called: ARTHROCUTANEOUVEAL GRANULOMATOSIS; GRANULOMATOSIS, FAMILIAL JUVENILE SYSTEMIC; GRANULOMATOSIS, FAMILIAL, BLAU TYPE; GRANULOMATOUS INFLAMMATORY ARTHRITIS, DERMATITIS, AND UVEITIS, FAMILIAL; JABS SYNDROME. Identifiers: Orphanet 90340, MedGen C5201146, MONDO:0008523, OMIM 186580.

gnomAD v4.1: 1 of 1,614,166 alleles (0.000062%); highest among the groups gnomAD compares: Admixed American, 0.0017%; no homozygotes.

Submission:

Labcorp Genetics (formerly Invitae), Labcorp
Classification: Uncertain significance for Regional enteritis; Blau syndrome. Last evaluated: 2025-07-02. Review status: criteria provided, single submitter. Criteria: Invitae Variant Classification Sherloc (09022015). Collection method: clinical testing. Allele origin: germline.
Comment: This sequence change replaces isoleucine, which is neutral and non-polar, with valine, which is neutral and non-polar, at codon 836 of the NOD2 protein (p.Ile836Val). This variant is present in population databases (rs752881716, gnomAD 0.003%). This variant has not been reported in the literature in individuals affected with NOD2-related conditions. Invitae Evidence Modeling of protein sequence and biophysical properties (such as structural, functional, and spatial information, amino acid conservation, physicochemical variation, residue mobility, and thermodynamic stability) indicates that this missense variant is not expected to disrupt NOD2 protein function with a negative predictive value of 95%. In summary, the available evidence is currently insufficient to determine the role of this variant in disease. Therefore, it has been classified as a Variant of Uncertain Significance.

NM_001370466.1(NOD2):c.2425A>G (p.Ile809Val)

Gene: NOD2 (nucleotide binding oligomerization domain containing 2; plus strand). Cytogenetic location: 16q12.1.
Variant type: single nucleotide variant.
Coding change: c.2425A>G on transcript NM_001370466.1 (MANE Select); coding-DNA position 2425, A replaced by G.
Protein change: p.Ile809Val; replaces isoleucine 809 with valine.
Molecular consequence: missense variant. On other transcripts: non-coding transcript variant (1).
Genome position (GRCh38, 1-based): chr16:50,716,630, A>G. VCF-style: chr16-50716630-A-G. GRCh37 (hg19) VCF-style: chr16-50750541-A-G.
Other names: c.2425A>G, p.Ile809Val (NM_001293557.2); c.2506A>G, p.Ile836Val (NM_022162.3); short protein forms I836V, I809V.
Identifiers: ClinVar variation 4789785 (VCV004789785.1).